The following is an entry in ClinVar:

NM_018062.4(FANCL):c.252G>A (p.Met84Ile)

Gene: FANCL (FA complementation group L; minus strand). Cytogenetic location: 2p16.1.
Variant type: single nucleotide variant.
Coding change: c.252G>A on transcript NM_018062.4 (MANE Select); coding-DNA position 252, G replaced by A.
Protein change: p.Met84Ile; replaces methionine 84 with isoleucine.
Molecular consequence: missense variant.
Genome position (GRCh38, 1-based): chr2:58,226,749, C>T on the plus strand (G>A on the coding strand, the complement: FANCL is on the minus strand). VCF-style: chr2-58226749-C-T. GRCh37 (hg19) VCF-style: chr2-58453884-C-T.
Other names: c.252G>A, p.Met84Ile (NM_001114636.2, NM_001374615.1, NM_001410792.1); short protein forms M84I.
Identifiers: ClinVar variation 2054645 (VCV002054645.1), dbSNP rs2467484034, ClinGen allele CA347034654.

ClinVar aggregate classification (germline): Uncertain significance (1 of 4 stars; one submission).

Conditions:
Fanconi anemia (FA). Also called: Fanconi's anemia. Identifiers: Orphanet 84, MedGen C0015625, MeSH D005199, MONDO:0019391.

Allele frequency attached by ClinVar (database versions not stated): gnomAD exomes below 0.00001.
gnomAD v4.1: 1 of 1,613,232 alleles (0.000062%); highest among the groups gnomAD compares: Non-Finnish European, 0.000085%; no homozygotes.

Submission:

Labcorp Genetics (formerly Invitae), Labcorp
Classification: Uncertain significance for Fanconi anemia. Last evaluated: 2022-04-21. Review status: criteria provided, single submitter. Criteria: Invitae Variant Classification Sherloc (09022015). Collection method: clinical testing. Allele origin: germline.
Comment: This sequence change replaces methionine, which is neutral and non-polar, with isoleucine, which is neutral and non-polar, at codon 84 of the FANCL protein (p.Met84Ile). This variant is not present in population databases (gnomAD no frequency). This variant has not been reported in the literature in individuals affected with FANCL-related conditions. Algorithms developed to predict the effect of missense changes on protein structure and function (SIFT, PolyPhen-2, Align-GVGD) all suggest that this variant is likely to be tolerated. In summary, the available evidence is currently insufficient to determine the role of this variant in disease. Therefore, it has been classified as a Variant of Uncertain Significance.